The following is an entry in ClinVar:

ClinVar aggregate classification (germline): Likely pathogenic (1 of 4 stars; one submission).

Submission:

Labcorp Genetics (formerly Invitae), Labcorp
Classification: Likely pathogenic. Last evaluated: 2025-02-04. Review status: criteria provided, single submitter. Criteria: Invitae Variant Classification Sherloc (09022015). Collection method: clinical testing. Allele origin: germline.
Comment: This sequence change affects a donor splice site in intron 9 of the ADSSL1 gene. It is expected to disrupt RNA splicing. Variants that disrupt the donor or acceptor splice site typically lead to a loss of protein function (PMID: 16199547), and loss-of-function variants in ADSSL1 are known to be pathogenic (PMID: 26506222). This variant is not present in population databases (gnomAD no frequency). This variant has not been reported in the literature in individuals affected with ADSSL1-related conditions. Algorithms developed to predict the effect of sequence changes on RNA splicing suggest that this variant may disrupt the consensus splice site. In summary, the currently available evidence indicates that the variant is pathogenic, but additional data are needed to prove that conclusively. Therefore, this variant has been classified as Likely Pathogenic.

Literature cited by the submitters: PubMed 16199547; PubMed 26506222.

NM_152328.5(ADSS1):c.948+2T>C

Gene: ADSS1 (adenylosuccinate synthase 1; plus strand). Cytogenetic location: 14q32.33.
Variant type: single nucleotide variant.
Coding change: c.948+2T>C on transcript NM_152328.5 (MANE Select); the canonical splice donor site of the intron after coding-DNA position 948, T replaced by C.
Molecular consequence: splice donor variant.
Genome position (GRCh38, 1-based): chr14:104,742,004, T>C. VCF-style: chr14-104742004-T-C. GRCh37 (hg19) VCF-style: chr14-105208341-T-C.
Other names: c.1077+2T>C (NM_199165.2); c.333+2T>C (NM_001320424.1).
Identifiers: ClinVar variation 4712342 (VCV004712342.1).